The following is an entry in ClinVar:

ClinVar aggregate classification (germline): Pathogenic (1 of 4 stars; one submission).

Submission:

GeneDx
Classification: Pathogenic. Last evaluated: 2025-09-30. Review status: criteria provided, single submitter. Criteria: GeneDx Variant Classification Process June 2021. Collection method: clinical testing. Allele origin: germline. Affected: yes.
Comment: Canonical splice site variant predicted to result in a null allele in a gene for which loss of function is a known mechanism of disease; Not observed at significant frequency in large population cohorts (gnomAD); This variant is associated with the following publications: (PMID: 28035777)

NM_170665.4(ATP2A2):c.119-2A>G

Gene: ATP2A2 (ATPase sarcoplasmic/endoplasmic reticulum Ca2+ transporting 2; plus strand). Cytogenetic location: 12q24.11.
Variant type: single nucleotide variant.
Coding change: c.119-2A>G on transcript NM_170665.4 (MANE Select); the canonical splice acceptor site of the intron before coding-DNA position 119, A replaced by G.
Molecular consequence: splice acceptor variant.
Genome position (GRCh38, 1-based): chr12:110,282,602, A>G. VCF-style: chr12-110282602-A-G. GRCh37 (hg19) VCF-style: chr12-110720407-A-G.
Other names: c.-257-2A>G (NM_001413015.1); c.119-2A>G (NM_001413014.1, NM_001681.4, NM_001413013.1).
Identifiers: ClinVar variation 4819499 (VCV004819499.1).